The following is an entry in ClinVar:

NM_021020.5(LZTS1):c.106C>T (p.Arg36Trp)

Gene: LZTS1 (leucine zipper tumor suppressor 1; minus strand). Cytogenetic location: 8p21.3.
Variant type: single nucleotide variant.
Coding change: c.106C>T on transcript NM_021020.5 (MANE Select); coding-DNA position 106, C replaced by T.
Protein change: p.Arg36Trp; replaces arginine 36 with tryptophan.
Molecular consequence: missense variant.
Genome position (GRCh38, 1-based): chr8:20,255,076, G>A on the plus strand (C>T on the coding strand, the complement: LZTS1 is on the minus strand). VCF-style: chr8-20255076-G-A. GRCh37 (hg19) VCF-style: chr8-20112587-G-A.
Other names: c.106C>T, p.Arg36Trp (NM_001362884.2); short protein forms R36W.
Identifiers: ClinVar variation 2632075 (VCV002632075.4), dbSNP rs201531859, ClinGen allele CA4657603.

ClinVar aggregate classification (germline): Uncertain significance. Review status: criteria provided, multiple submitters, no conflicts (2 of 4 stars). 2 submissions from 2 submitters: Uncertain significance (2). Last evaluated 2026-01-18.

Conditions:
LZTS1-related disorder. Also called: LZTS1-related condition.

Allele frequency attached by ClinVar (database versions not stated): ExAC 0.00003; gnomAD 0.00003; TOPMed 0.00004.
gnomAD v4.1: 44 of 1,614,086 alleles (0.0027%); highest among the groups gnomAD compares: Non-Finnish European, 0.0035%; no homozygotes.

Submissions (2):

Labcorp Genetics (formerly Invitae), Labcorp
Classification: Uncertain significance. Last evaluated: 2026-01-18. Review status: criteria provided, single submitter. Criteria: Invitae Variant Classification Sherloc (09022015). Collection method: clinical testing. Allele origin: germline.
Comment: This sequence change replaces arginine, which is basic and polar, with tryptophan, which is neutral and slightly polar, at codon 36 of the LZTS1 protein (p.Arg36Trp). This variant is present in population databases (rs201531859, gnomAD 0.006%). This variant has not been reported in the literature in individuals affected with LZTS1-related conditions. ClinVar contains an entry for this variant (Variation ID: 2632075). Invitae Evidence Modeling of protein sequence and biophysical properties (such as structural, functional, and spatial information, amino acid conservation, physicochemical variation, residue mobility, and thermodynamic stability) indicates that this missense variant is expected to disrupt LZTS1 protein function with a positive predictive value of 80%. In summary, the available evidence is currently insufficient to determine the role of this variant in disease. Therefore, it has been classified as a Variant of Uncertain Significance.

PreventionGenetics, part of Exact Sciences
Classification: Uncertain significance for LZTS1-related condition. Last evaluated: 2023-08-01. Review status: criteria provided, single submitter. Criteria: ACMG Guidelines, 2015. Collection method: clinical testing. Allele origin: germline.
Comment: The LZTS1 c.106C>T variant is predicted to result in the amino acid substitution p.Arg36Trp. This variant has been reported as a somatic genetic change in an individual with pancreatic cancer (Table 2, Murphy et al. 2013. PubMed ID: 23912084). This variant is reported in 0.0058% of alleles in individuals of Latino descent in gnomAD. At this time, the clinical significance of this variant is uncertain due to the absence of conclusive functional and genetic evidence.